The following is an entry in ClinVar:

NM_018139.3(DNAAF2):c.727_754del (p.Glu243fs)

Gene: DNAAF2 (dynein axonemal assembly factor 2; minus strand). Cytogenetic location: 14q21.3.
Variant type: Deletion.
Coding change: c.727_754del on transcript NM_018139.3 (MANE Select); coding-DNA positions 727 to 754, 28 bases deleted (GAAGCGGCCTTGCAGCCCGCCCCCACCG).
Protein change: p.Glu243fs; shifts the reading frame from glutamic acid 243.
Molecular consequence: frameshift variant.
Genome position (GRCh38, 1-based): chr14:49,634,396-49,634,423, CGGTGGGGGCGGGCTGCAAGGCCGCTTC deleted on the plus strand (GAAGCGGCCTTGCAGCCCGCCCCCACCG on the coding strand, the reverse complement: DNAAF2 is on the minus strand); deleting any 28 consecutive bases within chr14:49,634,396-49,634,426 gives the same sequence; the c. name uses the placement nearest the transcript's 3' end. VCF-style (leftmost placement, unchanged base first): chr14-49634395-TCGGTGGGGGCGGGCTGCAAGGCCGCTTC-T. GRCh37 (hg19) VCF-style: chr14-50101113-TCGGTGGGGGCGGGCTGCAAGGCCGCTTC-T.
Other names: c.727_754del, p.Glu243fs (NM_001083908.2); short protein forms E243fs.
Identifiers: ClinVar variation 955242 (VCV000955242.1), dbSNP rs770045708, ClinGen allele CA7173036.

ClinVar aggregate classification (germline): Pathogenic (1 of 4 stars; one submission).

Conditions:
Primary ciliary dyskinesia. Also called: Ciliary dyskinesia. Identifiers: Orphanet 244, MedGen C0008780, MONDO:0016575, HP:0012265.

Submission:

Labcorp Genetics (formerly Invitae), Labcorp
Classification: Pathogenic for Primary ciliary dyskinesia. Last evaluated: 2019-08-05. Review status: criteria provided, single submitter. Criteria: Invitae Variant Classification Sherloc (09022015). Collection method: clinical testing. Allele origin: germline.
Comment: This sequence change creates a premature translational stop signal (p.Glu243Serfs*33) in the DNAAF2 gene. It is expected to result in an absent or disrupted protein product. The frequency data for this variant in the population databases is considered unreliable, as metrics indicate poor data quality at this position in the ExAC database. This variant has not been reported in the literature in individuals with DNAAF2-related conditions. Loss-of-function variants in DNAAF2 are known to be pathogenic (PMID: 19052621). For these reasons, this variant has been classified as Pathogenic.